The following is an entry in ClinVar:

NM_001379081.2(FREM1):c.4405C>T (p.His1469Tyr)

Gene: FREM1 (FRAS1 related extracellular matrix 1; minus strand). Cytogenetic location: 9p22.3.
Variant type: single nucleotide variant.
Coding change: c.4405C>T on transcript NM_001379081.2 (MANE Select); coding-DNA position 4405, C replaced by T.
Protein change: p.His1469Tyr; replaces histidine 1469 with tyrosine.
Molecular consequence: missense variant. On other transcripts: non-coding transcript variant (1).
Genome position (GRCh38, 1-based): chr9:14,784,407, G>A on the plus strand (C>T on the coding strand, the complement: FREM1 is on the minus strand). VCF-style: chr9-14784407-G-A. GRCh37 (hg19) VCF-style: chr9-14784405-G-A.
Other names: c.4405C>T, p.His1469Tyr (NM_144966.7); short protein forms H1469Y.
Identifiers: ClinVar variation 1948344 (VCV001948344.5), dbSNP rs1282696257, ClinGen allele CA372965987.

ClinVar aggregate classification (germline): Uncertain significance (1 of 4 stars; one submission).

Allele frequency attached by ClinVar (database versions not stated): gnomAD exomes below 0.00001; gnomAD 0.00001.
gnomAD v4.1: 12 of 1,613,726 alleles (0.00074%); highest among the groups gnomAD compares: African/African-American, 0.0013%; no homozygotes.

Submission:

Labcorp Genetics (formerly Invitae), Labcorp
Classification: Uncertain significance. Last evaluated: 2025-08-11. Review status: criteria provided, single submitter. Criteria: Invitae Variant Classification Sherloc (09022015). Collection method: clinical testing. Allele origin: germline.
Comment: This sequence change replaces histidine, which is basic and polar, with tyrosine, which is neutral and polar, at codon 1469 of the FREM1 protein (p.His1469Tyr). The frequency data for this variant in the population databases is considered unreliable, as metrics indicate poor data quality at this position in the gnomAD database. This variant has not been reported in the literature in individuals affected with FREM1-related conditions. ClinVar contains an entry for this variant (Variation ID: 1948344). Invitae Evidence Modeling of protein sequence and biophysical properties (such as structural, functional, and spatial information, amino acid conservation, physicochemical variation, residue mobility, and thermodynamic stability) indicates that this missense variant is expected to disrupt FREM1 protein function with a positive predictive value of 80%. In summary, the available evidence is currently insufficient to determine the role of this variant in disease. Therefore, it has been classified as a Variant of Uncertain Significance.